The following is an entry in ClinVar:

ClinVar aggregate classification (germline): Uncertain significance (1 of 4 stars; one submission).

Submission:

Ambry Genetics
Classification: Uncertain significance. Last evaluated: 2026-06-08. Review status: criteria provided, single submitter. Criteria: Ambry Variant Classification Scheme 2023. Collection method: clinical testing. Allele origin: germline.
Comment: The p.G729R variant (also known as c.2185G>C), located in coding exon 12 of the ATRIP gene, results from a G to C substitution at nucleotide position 2185. The glycine at codon 729 is replaced by arginine, an amino acid with dissimilar properties. This amino acid position is conserved. In addition, this alteration is predicted to be tolerated by in silico analysis. Based on the available evidence, the clinical significance of this variant remains unclear.

NM_130384.3(ATRIP):c.2185G>C (p.Gly729Arg)

Genes: ATRIP (ATR interacting protein; plus strand), ATRIP-TREX1 (ATRIP-TREX1 readthrough; plus strand). Cytogenetic location: 3p21.31.
Variant type: single nucleotide variant.
Coding change: c.2185G>C on transcript NM_130384.3 (MANE Select); coding-DNA position 2185, G replaced by C.
Protein change: p.Gly729Arg; replaces glycine 729 with arginine.
Molecular consequence: missense variant. On other transcripts: non-coding transcript variant (1).
Genome position (GRCh38, 1-based): chr3:48,464,960, G>C. VCF-style: chr3-48464960-G-C. GRCh37 (hg19) VCF-style: chr3-48506359-G-C.
Other names: c.1804G>C, p.Gly602Arg (NM_001271022.2); c.1906G>C, p.Gly636Arg (NM_001271023.2); c.2104G>C, p.Gly702Arg (NM_032166.4); short protein forms G602R, G636R, G702R, G729R.
Identifiers: ClinVar variation 4867264 (VCV004867264.1).